The following is an entry in ClinVar:

ClinVar aggregate classification (germline): Uncertain significance (1 of 4 stars; one submission).

Conditions:
HNF1B-related disorder. Also called: HNF1B-related condition; HNF1B-related disorders.

gnomAD v4.1: 5 of 1,610,890 alleles (0.00031%); highest among the groups gnomAD compares: Admixed American, 0.0067%; no homozygotes.

Submission:

PreventionGenetics, part of Exact Sciences
Classification: Uncertain significance for HNF1B-related condition. Last evaluated: 2025-09-09. Review status: criteria provided, single submitter. Criteria: ACMG Guidelines, 2015. Collection method: clinical testing. Allele origin: germline.
Comment: The HNF1B c.266C>T variant is predicted to result in the amino acid substitution p.Pro89Leu. To our knowledge, this variant has not been reported in the literature. This variant is reported in 0.0087% of alleles in individuals of Latino descent in gnomAD. At this time, the clinical significance of this variant is uncertain due to the absence of conclusive functional and genetic evidence.

NM_000458.4(HNF1B):c.266C>T (p.Pro89Leu)

Gene: HNF1B (HNF1 homeobox B; minus strand). Cytogenetic location: 17q12.
Variant type: single nucleotide variant.
Coding change: c.266C>T on transcript NM_000458.4 (MANE Select); coding-DNA position 266, C replaced by T.
Protein change: p.Pro89Leu; replaces proline 89 with leucine.
Molecular consequence: missense variant.
Genome position (GRCh38, 1-based): chr17:37,744,619, G>A on the plus strand (C>T on the coding strand, the complement: HNF1B is on the minus strand). VCF-style: chr17-37744619-G-A. GRCh37 (hg19) VCF-style: chr17-36104610-G-A.
Other names: c.266C>T, p.Pro89Leu (NM_001165923.4, NM_001304286.2, NM_001411100.1); short protein forms P89L.
Identifiers: ClinVar variation 4984075 (VCV004984075.1).